The following is an entry in ClinVar:

ClinVar aggregate classification (germline): Conflicting classifications of pathogenicity. Review status: criteria provided, conflicting classifications (1 of 4 stars). 5 submissions from 4 submitters: Uncertain significance (1); Benign (1); Likely benign (3). Last evaluated 2025-12-03.

Conditions:
Connective tissue disorder. Also called: Connective tissue disease. Identifiers: MedGen C0009782, MONDO:0003900.
Chondrodysplasia Blomstrand type (BOCD). Identifiers: Orphanet 50945, MedGen C1859148, MONDO:0008970, OMIM 215045.
Metaphyseal chondrodysplasia, Jansen type. Also called: PTH1R-Related Jansen Metaphyseal Chondrodysplasia; Metaphyseal chondrodysplasia Murk Jansen type. Identifiers: Orphanet 33067, MedGen C0265295, MONDO:0007982, OMIM 156400.

Allele frequency attached by ClinVar (database versions not stated): ExAC 0.00022; TOPMed 0.00024; gnomAD 0.00034; 1000 Genomes Project 0.00040; gnomAD exomes 0.00042; 1000 Genomes Project 30x 0.00047.
gnomAD v4.1: 624 of 1,545,802 alleles (0.04%); highest among the groups gnomAD compares: Non-Finnish European, 0.046%; 2 homozygotes.

Submissions (5):

Labcorp Genetics (formerly Invitae), Labcorp
Classification: Likely benign. Last evaluated: 2025-12-03. Review status: criteria provided, single submitter. Criteria: Invitae Variant Classification Sherloc (09022015). Collection method: clinical testing. Allele origin: germline.

Blueprint Genetics
Classification: Likely benign. Last evaluated: 2024-05-20. Review status: criteria provided, single submitter. Criteria: ACMG Guidelines, 2015. Collection method: clinical testing. Allele origin: germline.

Genome Diagnostics Laboratory, The Hospital for Sick Children
Classification: Likely benign for Connective tissue disorder. Last evaluated: 2020-05-01. Review status: criteria provided, single submitter. Criteria: ACMG Guidelines, 2015. Collection method: clinical testing. Allele origin: germline.

Illumina Laboratory Services, Illumina
Classification: Benign for Metaphyseal chondrodysplasia, Jansen type. Last evaluated: 2018-01-12. Review status: criteria provided, single submitter. Criteria: ICSL Variant Classification Criteria 13 December 2019. Collection method: clinical testing. Allele origin: germline.
Comment: This variant was observed in the ICSL laboratory as part of a predisposition screen in an ostensibly healthy population. It had not been previously curated by ICSL or reported in the Human Gene Mutation Database (HGMD: prior to June 1st, 2018), and was therefore a candidate for classification through an automated scoring system. Utilizing variant allele frequency, disease prevalence and penetrance estimates, and inheritance mode, an automated score was calculated to assess if this variant is too frequent to cause the disease. Based on the score and internal cut-off values, a variant classified as benign is not then subjected to further curation. The score for this variant resulted in a classification of benign for this disease.

Illumina Laboratory Services, Illumina
Classification: Uncertain significance for Chondrodysplasia Blomstrand type. Last evaluated: 2018-01-12. Review status: criteria provided, single submitter. Criteria: ICSL Variant Classification Criteria 13 December 2019. Collection method: clinical testing. Allele origin: germline.

NM_000316.3(PTH1R):c.75+9C>T

Gene: PTH1R (parathyroid hormone 1 receptor; plus strand). Cytogenetic location: 3p21.31.
Variant type: single nucleotide variant.
Coding change: c.75+9C>T on transcript NM_000316.3 (MANE Select); 9 bases into the intron after coding-DNA position 75, C replaced by T.
Molecular consequence: intron variant.
Genome position (GRCh38, 1-based): chr3:46,883,643, C>T. VCF-style: chr3-46883643-C-T. GRCh37 (hg19) VCF-style: chr3-46925133-C-T.
Other names: c.75+9C>T (NM_001184744.1).
Identifiers: ClinVar variation 345575 (VCV000345575.17), dbSNP rs200710310, ClinGen allele CA2359058.
Genomic context (GRCh38, chr3:46,883,643, plus strand): 5'-CGGCCTGGCGCTCCTGCTCTGCTGCCCCGTGCTCAGCTCCGCGTACGCGCTGGTGAGTCC[C>T]CCGCCGCCAACACTCCGGGACAGGCTGCGGGCTTACCCTAGGGTCCGCGGGATAGGTCTA-3'